The following is an entry in ClinVar:

NM_020884.7(MYH7B):c.198+1G>A

Gene: MYH7B (myosin heavy chain 7B; plus strand). Cytogenetic location: 20q11.22.
Variant type: single nucleotide variant.
Coding change: c.198+1G>A on transcript NM_020884.7 (MANE Select); the canonical splice donor site of the intron after coding-DNA position 198, G replaced by A.
Molecular consequence: splice donor variant.
Genome position (GRCh38, 1-based): chr20:34,979,497, G>A. VCF-style: chr20-34979497-G-A. GRCh37 (hg19) VCF-style: chr20-33567300-G-A.
Identifiers: ClinVar variation 2174287 (VCV002174287.4), dbSNP rs375392993, ClinGen allele CA9826340.

ClinVar aggregate classification (germline): Uncertain significance (1 of 4 stars; one submission).

gnomAD v4.1: 42 of 1,611,024 alleles (0.0026%); highest among the groups gnomAD compares: Admixed American, 0.035%; no homozygotes.

Submission:

Labcorp Genetics (formerly Invitae), Labcorp
Classification: Uncertain significance. Last evaluated: 2023-11-15. Review status: criteria provided, single submitter. Criteria: Invitae Variant Classification Sherloc (09022015). Collection method: clinical testing. Allele origin: germline.
Comment: This sequence change affects a donor splice site in intron 6 of the MYH7B gene. It is expected to disrupt RNA splicing. Variants that disrupt the donor or acceptor splice site typically lead to a loss of protein function (PMID: 16199547), however the current clinical and genetic evidence is not sufficient to establish whether loss-of-function variants in MYH7B cause disease. This variant is present in population databases (rs375392993, gnomAD 0.05%). Disruption of this splice site has been observed in individual(s) with MYH7B-related conditions (PMID: 36703223). ClinVar contains an entry for this variant (Variation ID: 2174287). Algorithms developed to predict the effect of sequence changes on RNA splicing suggest that this variant may disrupt the consensus splice site. In summary, the available evidence is currently insufficient to determine the role of this variant in disease. Therefore, it has been classified as a Variant of Uncertain Significance.

Literature cited by the submitters: PubMed 16199547; PubMed 36703223.